The following is an entry in ClinVar:

ClinVar aggregate classification (germline): Uncertain significance (1 of 4 stars; one submission).

Submission:

GeneDx
Classification: Uncertain significance. Last evaluated: 2025-06-24. Review status: criteria provided, single submitter. Criteria: GeneDx Variant Classification Process June 2021. Collection method: clinical testing. Allele origin: germline. Affected: yes.
Comment: Not observed at significant frequency in large population cohorts (gnomAD); In silico analysis supports a deleterious effect on splicing; Has not been previously published as pathogenic or benign to our knowledge

NM_030954.4(RNF170):c.507+6T>A

Gene: RNF170 (ring finger protein 170; minus strand). Cytogenetic location: 8p11.21.
Variant type: single nucleotide variant.
Coding change: c.507+6T>A on transcript NM_030954.4 (MANE Select); 6 bases into the intron after coding-DNA position 507, T replaced by A.
Molecular consequence: intron variant.
Genome position (GRCh38, 1-based): chr8:42,861,739, A>T on the plus strand (T>A on the coding strand, the complement: RNF170 is on the minus strand). VCF-style: chr8-42861739-A-T. GRCh37 (hg19) VCF-style: chr8-42716882-A-T.
Other names: c.396+3677T>A (NM_001160224.2); c.255+6T>A (NM_001160225.2); c.507+6T>A (NM_001160223.2).
Identifiers: ClinVar variation 4540097 (VCV004540097.1).